The following is an entry in ClinVar:

NM_001267550.2(TTN):c.39127+3A>T

Gene: TTN (titin; minus strand). Cytogenetic location: 2q31.2.
Variant type: single nucleotide variant.
Coding change: c.39127+3A>T on transcript NM_001267550.2 (MANE Select); 3 bases into the intron after coding-DNA position 39127, A replaced by T.
Molecular consequence: intron variant.
Genome position (GRCh38, 1-based): chr2:178,652,455, T>A on the plus strand (A>T on the coding strand, the complement: TTN is on the minus strand). VCF-style: chr2-178652455-T-A. GRCh37 (hg19) VCF-style: chr2-179517182-T-A.
Other names: c.13283-10138A>T (NM_003319.4); c.13859-10138A>T (NM_133437.4); c.13658-10138A>T (NM_133432.3); c.31825+3A>T (NM_133378.4); c.34606+3A>T (NM_001256850.1).
Identifiers: ClinVar variation 1463258 (VCV001463258.6), dbSNP rs2154250699, ClinGen allele CA2573133917.
Genomic context (GRCh38, chr2:178,652,455, plus strand): 5'-AGAAAAATACTTTCCAGAGCAGAAGAGTTTGATCATCTGAAGCCTAAAATCAGTGACAAA[T>A]ACCTTTAACAGGTGTGACTTCAGGCTTTTTAGGAGGAGCCGCTGGCACTTTCTTTTCAGG-3'

ClinVar aggregate classification (germline): Uncertain significance (1 of 4 stars; one submission).

Conditions:
Dilated cardiomyopathy 1G (CMD1G). Identifiers: Orphanet 154, MedGen C1858763, MONDO:0011400, OMIM 604145.
Autosomal recessive limb-girdle muscular dystrophy type 2J (LGMDR10). Also called: Limb-girdle muscular dystrophy, type 2J; MUSCULAR DYSTROPHY, LIMB-GIRDLE, AUTOSOMAL RECESSIVE 10. Identifiers: Orphanet 140922, MedGen C1837342, MONDO:0012127, OMIM 608807.

gnomAD v4.1: 1 of 1,613,392 alleles (0.000062%); highest among the groups gnomAD compares: Non-Finnish European, 0.000085%; no homozygotes.

Submission:

Labcorp Genetics (formerly Invitae), Labcorp
Classification: Uncertain significance for Dilated cardiomyopathy 1G; Autosomal recessive limb-girdle muscular dystrophy type 2J. Last evaluated: 2021-09-07. Review status: criteria provided, single submitter. Criteria: Invitae Variant Classification Sherloc (09022015). Collection method: clinical testing. Allele origin: germline.
Comment: This variant is located in the I band of TTN (PMID: 25589632). Variants in this region may be clinically relevant, but have not been definitively shown to cause cardiomyopathy or neuromuscular disease (PMID: 27493940, 32778822). In summary, the available evidence is currently insufficient to determine the role of this variant in disease. Therefore, it has been classified as a Variant of Uncertain Significance. Variants that disrupt the consensus splice site are a relatively common cause of aberrant splicing (PMID: 17576681, 9536098). Algorithms developed to predict the effect of sequence changes on RNA splicing suggest that this variant may disrupt the consensus splice site. This variant has not been reported in the literature in individuals affected with TTN-related conditions. This variant is not present in population databases (ExAC no frequency). This sequence change falls in intron 202 of the TTN gene. It does not directly change the encoded amino acid sequence of the TTN protein. It affects a nucleotide within the consensus splice site of the intron.

Literature cited by the submitters: PubMed 25589632; PubMed 27493940; PubMed 32778822; PubMed 17576681; PubMed 9536098.